The following is an entry in ClinVar:

NM_014363.6(SACS):c.2656C>T (p.Gln886Ter)

Gene: SACS (sacsin molecular chaperone; minus strand). Cytogenetic location: 13q12.12.
Variant type: single nucleotide variant.
Coding change: c.2656C>T on transcript NM_014363.6 (MANE Select); coding-DNA position 2656, C replaced by T.
Protein change: p.Gln886Ter; replaces glutamine 886 with a stop codon.
Molecular consequence: nonsense.
Genome position (GRCh38, 1-based): chr13:23,341,220, G>A on the plus strand (C>T on the coding strand, the complement: SACS is on the minus strand). VCF-style: chr13-23341220-G-A. GRCh37 (hg19) VCF-style: chr13-23915359-G-A.
Other names: c.2215C>T, p.Gln739Ter (NM_001278055.2); short protein forms Q886*, Q739*.
Identifiers: ClinVar variation 2137467 (VCV002137467.6), dbSNP rs757894912, ClinGen allele CA6911650.

ClinVar aggregate classification (germline): Pathogenic. Review status: criteria provided, multiple submitters, no conflicts (2 of 4 stars). 3 submissions from 3 submitters: Pathogenic (3). Last evaluated 2025-05-21.

Conditions:
Spastic paraplegia. Identifiers: MedGen C0037772, HP:0001258.
Charlevoix-Saguenay spastic ataxia (SACS). Also called: Spastic ataxia of Charlevoix-Saguenay; AUTOSOMAL RECESSIVE SPASTIC ATAXIA OF CHARLEVOIX-SAGUENAY; SPASTIC ATAXIA 6, AUTOSOMAL RECESSIVE. Identifiers: Orphanet 98, MedGen C1849140, MONDO:0010041, OMIM 270550.

Allele frequency attached by ClinVar (database versions not stated): gnomAD exomes below 0.00001; ExAC 0.00001.
gnomAD v4.1: 3 of 1,613,912 alleles (0.00019%); highest among the groups gnomAD compares: South Asian, 0.0011%; no homozygotes.

Submissions (3):

Myriad Genetics, Inc.
Classification: Pathogenic for Charlevoix-Saguenay spastic ataxia. Last evaluated: 2025-05-21. Review status: criteria provided, single submitter. Criteria: Myriad Autosomal Dominant, Autosomal Recessive and X-Linked Classification Criteria (2023). Collection method: clinical testing. Allele origin: unknown.
Comment: NM_014363.4(SACS):c.2656C>T(Q886*) is a nonsense variant classified as pathogenic in the context of autosomal recessive spastic ataxia of Charlevoix-Saguenay. Q886* has been observed in a case with relevant disease (PMID: 27871429). Relevant functional assessments of this variant are not available in the literature. Q886* has been observed in referenced population frequency databases. In summary, NM_014363.4(SACS):c.2656C>T(Q886*) is a nonsense variant in a gene where loss of function is a known mechanism of disease, is predicted to disrupt protein function, and has been observed more frequently in cases with the relevant disease than in healthy populations. Please note: this variant was assessed in the context of healthy population screening.

Fulgent Genetics
Classification: Pathogenic for Charlevoix-Saguenay spastic ataxia. Last evaluated: 2024-06-06. Review status: criteria provided, single submitter. Criteria: ACMG Guidelines, 2015. Collection method: clinical testing. Allele origin: germline.

Labcorp Genetics (formerly Invitae), Labcorp
Classification: Pathogenic for Spastic paraplegia. Last evaluated: 2022-02-06. Review status: criteria provided, single submitter. Criteria: Invitae Variant Classification Sherloc (09022015). Collection method: clinical testing. Allele origin: germline.
Comment: This sequence change creates a premature translational stop signal (p.Gln886*) in the SACS gene. While this is not anticipated to result in nonsense mediated decay, it is expected to disrupt the last 3694 amino acid(s) of the SACS protein. For these reasons, this variant has been classified as Pathogenic. This variant disrupts a region of the SACS protein in which other variant(s) (p.Arg3903*) have been determined to be pathogenic (PMID: 19892370, 21745802). This suggests that this is a clinically significant region of the protein, and that variants that disrupt it are likely to be disease-causing. This premature translational stop signal has been observed in individual(s) with clinical features of hereditary spastic paraplegia (PMID: 27871429). It has also been observed to segregate with disease in related individuals. This variant is present in population databases (rs757894912, gnomAD 0.003%).

Literature cited by the submitters: PubMed 27871429 (cited by Myriad Genetics, Inc. and Labcorp Genetics (formerly Invitae), Labcorp); PubMed 19892370 (cited by Labcorp Genetics (formerly Invitae), Labcorp); PubMed 21745802 (cited by Labcorp Genetics (formerly Invitae), Labcorp).